The following is an entry in ClinVar:

ClinVar aggregate classification (germline): Uncertain significance (1 of 4 stars; one submission).

Conditions:
Hypomyelination and Congenital Cataract (HLD5). Also called: hypomyelinating leukodystrophy 5. Identifiers: Orphanet 85163, MedGen C1864663, MONDO:0012514, OMIM 610532.

Submission:

Labcorp Genetics (formerly Invitae), Labcorp
Classification: Uncertain significance for Hypomyelination and Congenital Cataract. Last evaluated: 2018-02-07. Review status: criteria provided, single submitter. Criteria: Invitae Variant Classification Sherloc (09022015). Collection method: clinical testing. Allele origin: germline.
Comment: This variant is a gross duplication of the genomic region encompassing exons 2-8 of the FAM126A gene. The 5' end of this event is unknown as it extends beyond the assayed region for this gene and therefore may encompass additional genes. The 3' boundary is likely confined to intron 8 of the FAM126A gene. The exact location of this variant in the genome is unknown. This variant has not been reported in the literature in individuals with FAM126A-related disease. In summary, the available evidence is currently insufficient to determine the role of this variant in disease. Therefore, it has been classified as a Variant of Uncertain Significance.

NC_000007.14:g.(?_22964395)_(22991131_?)del

Gene: HYCC1 (hyccin PI4KA lipid kinase complex subunit 1; minus strand). Cytogenetic location: 7p15.3.
Variant type: Deletion.
Identifiers: ClinVar variation 583585 (VCV000583585.3).